The following is an entry in ClinVar:

NM_144643.4(SCLT1):c.1438G>A (p.Asp480Asn)

Gene: SCLT1 (sodium channel and clathrin linker 1; minus strand). Cytogenetic location: 4q28.2.
Variant type: single nucleotide variant.
Coding change: c.1438G>A on transcript NM_144643.4 (MANE Select); coding-DNA position 1438, G replaced by A.
Protein change: p.Asp480Asn; replaces aspartic acid 480 with asparagine.
Molecular consequence: missense variant.
Genome position (GRCh38, 1-based): chr4:128,946,008, C>T on the plus strand (G>A on the coding strand, the complement: SCLT1 is on the minus strand). VCF-style: chr4-128946008-C-T. GRCh37 (hg19) VCF-style: chr4-129867163-C-T.
Other names: short protein forms D480N.
Identifiers: ClinVar variation 1480005 (VCV001480005.8), dbSNP rs746688024, ClinGen allele CA3079630.

ClinVar aggregate classification (germline): Uncertain significance (1 of 4 stars; one submission).

Allele frequency attached by ClinVar (database versions not stated): ExAC 0.00001; gnomAD exomes 0.00001 and 0.00002.
gnomAD v4.1: 15 of 1,594,180 alleles (0.00094%); highest among the groups gnomAD compares: South Asian, 0.016%; no homozygotes.

Submission:

Labcorp Genetics (formerly Invitae), Labcorp
Classification: Uncertain significance. Last evaluated: 2022-01-27. Review status: criteria provided, single submitter. Criteria: Invitae Variant Classification Sherloc (09022015). Collection method: clinical testing. Allele origin: germline.
Comment: This variant is present in population databases (rs746688024, gnomAD 0.02%). This sequence change replaces aspartic acid, which is acidic and polar, with asparagine, which is neutral and polar, at codon 480 of the SCLT1 protein (p.Asp480Asn). This variant has not been reported in the literature in individuals affected with SCLT1-related conditions. In summary, the available evidence is currently insufficient to determine the role of this variant in disease. Therefore, it has been classified as a Variant of Uncertain Significance. Algorithms developed to predict the effect of missense changes on protein structure and function output the following: SIFT: "Tolerated"; PolyPhen-2: "Benign"; Align-GVGD: "Class C0". The asparagine amino acid residue is found in multiple mammalian species, which suggests that this missense change does not adversely affect protein function.